The following is an entry in ClinVar:

ClinVar aggregate classification (germline): Conflicting classifications of pathogenicity. Review status: criteria provided, conflicting classifications (1 of 4 stars). 3 submissions from 3 submitters: Uncertain significance (1); Likely benign (2). Last evaluated 2023-03-23.

Conditions:
Hereditary cancer-predisposing syndrome. Also called: Hereditary neoplastic syndrome; Tumor predisposition; Neoplastic Syndromes, Hereditary; Hereditary Cancer Syndrome. Identifiers: Orphanet 140162, MedGen C0027672, MeSH D009386, MONDO:0015356.
Hereditary breast ovarian cancer syndrome. Also called: Hereditary breast and ovarian cancer; Hereditary breast and/or ovarian cancer syndrome; Breast and ovarian cancer; BRCA1- and BRCA2-Associated Hereditary Breast and Ovarian Cancer; Hereditary breast and ovarian cancer syndrome; Hereditary breast and ovarian cancer syndrome (HBOC). Identifiers: Orphanet 145, MedGen C0677776, MeSH D061325, MONDO:0003582. Disease mechanism: loss of function.

Submissions (3):

University of Washington Department of Laboratory Medicine, University of Washington
Classification: Likely benign for Hereditary cancer-predisposing syndrome. Last evaluated: 2023-03-23. Review status: criteria provided, single submitter. Criteria: Dines et al. (Genet Med. 2020). Collection method: curation. Allele origin: germline.
Comment: Missense variant in a coldspot region where missense variants are very unlikely to be pathogenic (PMID:31911673).

BRCA2 exon 11 coldspot. Reclassification based on statistical prior probability.

Ambry Genetics
Classification: Likely benign for Hereditary cancer-predisposing syndrome. Last evaluated: 2022-09-30. Review status: criteria provided, single submitter. Criteria: Ambry Variant Classification Scheme 2023. Collection method: clinical testing. Allele origin: germline.

Labcorp Genetics (formerly Invitae), Labcorp
Classification: Uncertain significance for Hereditary breast ovarian cancer syndrome. Last evaluated: 2022-01-26. Review status: criteria provided, single submitter. Criteria: Invitae Variant Classification Sherloc (09022015). Collection method: clinical testing. Allele origin: germline.
Comment: This sequence change replaces tyrosine, which is neutral and polar, with cysteine, which is neutral and slightly polar, at codon 803 of the BRCA2 protein (p.Tyr803Cys). This variant is not present in population databases (gnomAD no frequency). In summary, the available evidence is currently insufficient to determine the role of this variant in disease. Therefore, it has been classified as a Variant of Uncertain Significance. Advanced modeling of protein sequence and biophysical properties (such as structural, functional, and spatial information, amino acid conservation, physicochemical variation, residue mobility, and thermodynamic stability) performed at Invitae indicates that this missense variant is not expected to disrupt BRCA2 protein function. This variant has not been reported in the literature in individuals affected with BRCA2-related conditions.

NM_000059.4(BRCA2):c.2408A>G (p.Tyr803Cys)

Gene: BRCA2 (BRCA2 DNA repair associated; plus strand). Cytogenetic location: 13q13.1.
Variant type: single nucleotide variant.
Coding change: c.2408A>G on transcript NM_000059.4 (MANE Select); coding-DNA position 2408, A replaced by G.
Protein change: p.Tyr803Cys; replaces tyrosine 803 with cysteine.
Molecular consequence: missense variant.
Genome position (GRCh38, 1-based): chr13:32,336,763, A>G. VCF-style: chr13-32336763-A-G. GRCh37 (hg19) VCF-style: chr13-32910900-A-G.
Other names: short protein forms Y803C.
Identifiers: ClinVar variation 1346908 (VCV001346908.9), dbSNP rs1566226664, ClinGen allele CA387772017.
Genomic context (GRCh38, chr13:32,336,763, plus strand): 5'-TCATGATTTCTAGAGGCAAAGAATCATACAAAATGTCAGACAAGCTCAAAGGTAACAATT[A>G]TGAATCTGATGTTGAATTAACCAAAAATATTCCCATGGAAAAGAATCAAGATGTATGTGC-3'
Protein context (NP_000050.3, residues 793-813): KMSDKLKGNN[Tyr803Cys]ESDVELTKNI